The following is an entry in ClinVar:

NM_021120.4(DLG3):c.840G>A (p.Ala280=)

Gene: DLG3 (discs large MAGUK scaffold protein 3; plus strand). Cytogenetic location: Xq13.1.
Variant type: single nucleotide variant.
Coding change: c.840G>A on transcript NM_021120.4 (MANE Select); coding-DNA position 840, G replaced by A.
Protein change: p.Ala280=; no amino-acid change (alanine 280 retained).
Molecular consequence: synonymous variant.
Genome position (GRCh38, 1-based): chrX:70,450,305, G>A. VCF-style: chrX-70450305-G-A. GRCh37 (hg19) VCF-style: chrX-69670155-G-A.
Identifiers: ClinVar variation 3901953 (VCV003901953.1).

ClinVar aggregate classification (germline): Uncertain significance (1 of 4 stars; one submission).

Conditions:
Intellectual developmental disorder, X-linked 90. Also called: DLG3-Related X-Linked Nonsyndromic Mental Retardation; Intellectual disability, X-linked 90. Identifiers: Orphanet 777, MedGen C3275443, MONDO:0010452, OMIM 300850.

Submission:

Laboratorio de Genetica e Diagnostico Molecular, Hospital Israelita Albert Einstein
Classification: Uncertain significance for Intellectual developmental disorder, X-linked 90. Last evaluated: 2025-03-07. Review status: criteria provided, single submitter. Criteria: ACMG Guidelines, 2015. Collection method: clinical testing. Allele origin: germline. Affected: yes.
Comment: ACMG classification criteria: PM2 supporting, PP3 supporting